The following is an entry in ClinVar:

NM_024408.4(NOTCH2):c.4596G>A (p.Leu1532=)

Gene: NOTCH2 (notch receptor 2; minus strand). Cytogenetic location: 1p12.
Variant type: single nucleotide variant.
Coding change: c.4596G>A on transcript NM_024408.4 (MANE Select); coding-DNA position 4596, G replaced by A.
Protein change: p.Leu1532=; no amino-acid change (leucine 1532 retained).
Molecular consequence: synonymous variant.
Genome position (GRCh38, 1-based): chr1:119,923,900, C>T on the plus strand (G>A on the coding strand, the complement: NOTCH2 is on the minus strand). VCF-style: chr1-119923900-C-T. GRCh37 (hg19) VCF-style: chr1-120466523-C-T.
Identifiers: ClinVar variation 3029739 (VCV003029739.2), dbSNP rs2101159263, ClinGen allele CA420190688.

ClinVar aggregate classification (germline): Likely benign (0 of 4 stars; one submission).

Conditions:
NOTCH2-related disorder. Also called: NOTCH2-related condition.

Submission:

PreventionGenetics, part of Exact Sciences
Classification: Likely benign for NOTCH2-related condition. Last evaluated: 2021-08-02. Review status: no assertion criteria provided. Collection method: clinical testing. Allele origin: germline.
Comment: This variant is classified as likely benign based on ACMG/AMP sequence variant interpretation guidelines (Richards et al. 2015 PMID: 25741868, with internal and published modifications).